The following is an entry in ClinVar:

NM_000540.3(RYR1):c.11159A>T (p.Tyr3720Phe)

Gene: RYR1 (ryanodine receptor 1; plus strand). Cytogenetic location: 19q13.2.
Variant type: single nucleotide variant.
Coding change: c.11159A>T on transcript NM_000540.3 (MANE Select); coding-DNA position 11159, A replaced by T.
Protein change: p.Tyr3720Phe; replaces tyrosine 3720 with phenylalanine.
Molecular consequence: missense variant.
Genome position (GRCh38, 1-based): chr19:38,532,507, A>T. VCF-style: chr19-38532507-A-T. GRCh37 (hg19) VCF-style: chr19-39023147-A-T.
Other names: c.11144A>T, p.Tyr3715Phe (NM_001042723.2); short protein forms Y3715F, Y3720F.
Identifiers: ClinVar variation 4758501 (VCV004758501.1).

ClinVar aggregate classification (germline): Uncertain significance (1 of 4 stars; one submission).

Conditions:
Malignant hyperthermia, susceptibility to, 1 (MHS1). Also called: RYR1-Related Malignant Hyperthermia Susceptibility; Malignant hyperthermia suceptibility 1; Anesthesia related hyperthermia; Malignant hyperpyrexia; Fulminating hyperpyrexia; Pharmacogenic myopathy. Identifiers: Orphanet 423, MedGen C2930980, MONDO:0007783, OMIM 145600.

gnomAD v4.1: 2 of 1,614,128 alleles (0.00012%); highest among the groups gnomAD compares: Non-Finnish European, 0.00017%; no homozygotes.

Submission:

Color Diagnostics, LLC DBA Color Health
Classification: Uncertain significance for Malignant hyperthermia, susceptibility to, 1. Last evaluated: 2025-10-03. Review status: criteria provided, single submitter. Criteria: ACMG Guidelines, 2015. Collection method: clinical testing. Allele origin: germline.
Comment: This missense variant replaces tyrosine with phenylalanine at codon 3720 of the RYR1 protein. Computational prediction suggests that this variant may not impact protein structure and function. To our knowledge, functional studies have not been reported for this variant. This variant has not been reported in individuals affected with RYR1-related disorders in the literature. This variant has not been identified in the general population by the Genome Aggregation Database (gnomAD). The available evidence is insufficient to determine the role of this variant in disease conclusively. Therefore, this variant is classified as a Variant of Uncertain Significance.